The following is an entry in ClinVar:

NM_006766.5(KAT6A):c.5911A>C (p.Asn1971His)

Gene: KAT6A (lysine acetyltransferase 6A; minus strand). Cytogenetic location: 8p11.21.
Variant type: single nucleotide variant.
Coding change: c.5911A>C on transcript NM_006766.5 (MANE Select); coding-DNA position 5911, A replaced by C.
Protein change: p.Asn1971His; replaces asparagine 1971 with histidine.
Molecular consequence: missense variant.
Genome position (GRCh38, 1-based): chr8:41,932,309, T>G on the plus strand (A>C on the coding strand, the complement: KAT6A is on the minus strand). VCF-style: chr8-41932309-T-G. GRCh37 (hg19) VCF-style: chr8-41789827-T-G.
Other names: short protein forms N1971H.
Identifiers: ClinVar variation 4747358 (VCV004747358.1).
Genomic context (GRCh38, chr8:41,932,309, plus strand): 5'-CAGCAGCGTTCATGTAGCTGTGATGGGAGGGGCCTGTGTACATCATGTTCCCATGAGGGT[T>G]AGGCTGCATAGGCTGCTGGGTATAGGCCTGGCTCCCCATCATTCCCATCTGCATCTGCAT-3'
Protein context (NP_006757.2, residues 1961-1981): QAYTQQPMQP[Asn1971His]PHGNMMYTGP

ClinVar aggregate classification (germline): Uncertain significance (1 of 4 stars; one submission).

gnomAD v4.1: 4 of 1,614,224 alleles (0.00025%); highest among the groups gnomAD compares: East Asian, 0.0089%; no homozygotes.

Submission:

Labcorp Genetics (formerly Invitae), Labcorp
Classification: Uncertain significance. Last evaluated: 2025-06-04. Review status: criteria provided, single submitter. Criteria: Invitae Variant Classification Sherloc (09022015). Collection method: clinical testing. Allele origin: germline.
Comment: This sequence change replaces asparagine, which is neutral and polar, with histidine, which is basic and polar, at codon 1971 of the KAT6A protein (p.Asn1971His). This variant is not present in population databases (gnomAD no frequency). This variant has not been reported in the literature in individuals affected with KAT6A-related conditions. Invitae Evidence Modeling of protein sequence and biophysical properties (such as structural, functional, and spatial information, amino acid conservation, physicochemical variation, residue mobility, and thermodynamic stability) indicates that this missense variant is not expected to disrupt KAT6A protein function with a negative predictive value of 95%. In summary, the available evidence is currently insufficient to determine the role of this variant in disease. Therefore, it has been classified as a Variant of Uncertain Significance.